The following is an entry in ClinVar:

ClinVar aggregate classification (germline): Uncertain significance. Review status: criteria provided, multiple submitters, no conflicts (2 of 4 stars). 2 submissions from 2 submitters: Uncertain significance (2). Last evaluated 2025-08-03.

Conditions:
Inborn genetic diseases. Identifiers: MedGen C0950123, MeSH D030342.

Allele frequency attached by ClinVar (database versions not stated): ExAC 0.00001; gnomAD exomes 0.00001; gnomAD 0.00005; TOPMed 0.00007.
gnomAD v4.1: 20 of 1,611,286 alleles (0.0012%); highest among the groups gnomAD compares: African/African-American, 0.021%; no homozygotes.

Submissions (2):

Labcorp Genetics (formerly Invitae), Labcorp
Classification: Uncertain significance. Last evaluated: 2025-08-03. Review status: criteria provided, single submitter. Criteria: Invitae Variant Classification Sherloc (09022015). Collection method: clinical testing. Allele origin: germline.
Comment: This sequence change replaces proline, which is neutral and non-polar, with leucine, which is neutral and non-polar, at codon 1362 of the LRP6 protein (p.Pro1362Leu). This variant is present in population databases (rs758103978, gnomAD 0.02%). This variant has not been reported in the literature in individuals affected with LRP6-related conditions. ClinVar contains an entry for this variant (Variation ID: 2179755). An algorithm developed to predict the effect of missense changes on protein structure and function (PolyPhen-2) suggests that this variant is likely to be tolerated. In summary, the available evidence is currently insufficient to determine the role of this variant in disease. Therefore, it has been classified as a Variant of Uncertain Significance.

Ambry Genetics
Classification: Uncertain significance for Inborn genetic diseases. Last evaluated: 2025-08-01. Review status: criteria provided, single submitter. Criteria: Ambry Variant Classification Scheme 2023. Collection method: clinical testing. Allele origin: germline.

NM_002336.3(LRP6):c.4085C>T (p.Pro1362Leu)

Gene: LRP6 (LDL receptor related protein 6; minus strand). Cytogenetic location: 12p13.2.
Variant type: single nucleotide variant.
Coding change: c.4085C>T on transcript NM_002336.3 (MANE Select); coding-DNA position 4085, C replaced by T.
Protein change: p.Pro1362Leu; replaces proline 1362 with leucine.
Molecular consequence: missense variant.
Genome position (GRCh38, 1-based): chr12:12,126,918, G>A on the plus strand (C>T on the coding strand, the complement: LRP6 is on the minus strand). VCF-style: chr12-12126918-G-A. GRCh37 (hg19) VCF-style: chr12-12279852-G-A.
Other names: c.4178C>T, p.Pro1393Leu (NM_001414244.1); c.4085C>T, p.Pro1362Leu (NM_001414245.1, NM_001414248.1, NM_001414249.1 and 1 more transcripts); c.3950C>T, p.Pro1317Leu (NM_001414246.1); c.3887C>T, p.Pro1296Leu (NM_001414247.1); c.3722C>T, p.Pro1241Leu (NM_001414251.1); c.3632C>T, p.Pro1211Leu (NM_001414252.1, NM_001414253.1, NM_001414254.1); c.3578C>T, p.Pro1193Leu (NM_001414255.1); c.4085C>T (NM_002336.2); short protein forms P1296L, P1362L, P1211L, P1241L, P1317L, P1393L, P1193L.
Identifiers: ClinVar variation 2179755 (VCV002179755.5), dbSNP rs758103978, ClinGen allele CA6455038.